The following is an entry in ClinVar:

NM_006493.4(CLN5):c.403T>C (p.Trp135Arg)

Gene: CLN5 (CLN5 lysosomal BMP synthase; plus strand). Cytogenetic location: 13q22.3.
Variant type: single nucleotide variant.
Coding change: c.403T>C on transcript NM_006493.4 (MANE Select); coding-DNA position 403, T replaced by C.
Protein change: p.Trp135Arg; replaces tryptophan 135 with arginine.
Molecular consequence: missense variant.
Genome position (GRCh38, 1-based): chr13:76,995,965, T>C. VCF-style: chr13-76995965-T-C. GRCh37 (hg19) VCF-style: chr13-77570100-T-C.
Other names: c.403T>C, p.Trp135Arg (NM_001366624.2); short protein forms W135R, W184R.
Identifiers: ClinVar variation 5018115 (VCV005018115.1).
Genomic context (GRCh38, chr13:76,995,965, plus strand): 5'-ATTATGCATGATGCCATTGGATTCAGAAGTACATTAACTGGCAAGAACTACACAATGGAA[T>C]GGTATGAACTTTTCCAACTTGGCAACTGTACATTTCCCCATCTCCGACCTGAAATGGATG-3'
Protein context (NP_006484.2, residues 125-145): TLTGKNYTME[Trp135Arg]YELFQLGNCT

ClinVar aggregate classification (germline): Uncertain significance (1 of 4 stars; one submission).

Submission:

GeneDx
Classification: Uncertain significance. Last evaluated: 2026-04-06. Review status: criteria provided, single submitter. Criteria: GeneDx Variant Classification Process June 2021. Collection method: clinical testing. Allele origin: germline.
Comment: Not observed at significant frequency in large population cohorts (gnomAD); In silico analysis supports that this missense variant has a deleterious effect on protein structure/function; Has not been previously published as pathogenic or benign to our knowledge; Also known as p.(W135R)